The following is an entry in ClinVar:

NM_014712.3(SETD1A):c.649C>T (p.Arg217Cys)

Gene: SETD1A (SET domain containing 1A, histone lysine methyltransferase; plus strand). Cytogenetic location: 16p11.2.
Variant type: single nucleotide variant.
Coding change: c.649C>T on transcript NM_014712.3 (MANE Select); coding-DNA position 649, C replaced by T.
Protein change: p.Arg217Cys; replaces arginine 217 with cysteine.
Molecular consequence: missense variant.
Genome position (GRCh38, 1-based): chr16:30,964,103, C>T. VCF-style: chr16-30964103-C-T. GRCh37 (hg19) VCF-style: chr16-30975424-C-T.
Other names: short protein forms R217C.
Identifiers: ClinVar variation 3731459 (VCV003731459.1).

ClinVar aggregate classification (germline): Uncertain significance (1 of 4 stars; one submission).

Conditions:
Neurodevelopmental disorder with speech impairment and dysmorphic facies. Identifiers: MedGen C5436699, MONDO:0033630, OMIM 619056.

gnomAD v4.1: 13 of 1,612,588 alleles (0.00081%); highest among the groups gnomAD compares: African/African-American, 0.0053%; no homozygotes.

Submission:

Neuberg Centre For Genomic Medicine, NCGM
Classification: Uncertain significance for Neurodevelopmental disorder with speech impairment and dysmorphic facies. Last evaluated: 2023-06-22. Review status: criteria provided, single submitter. Criteria: ACMG Guidelines, 2015. Collection method: clinical testing. Allele origin: germline. Inheritance: Autosomal dominant inheritance. Affected: yes.
Comment: The missense c.649C>T(p.Arg217Cys) variant in SETD1A gene has not been reported previously as a pathogenic variant nor as a benign variant, to our knowledge. The p.Arg217Cys variant is present with allele frequency 0.0008% in gnomAD Exomes. This variant has not been submitted to the ClinVar database. Multiple lines of computational evidences (Polyphen - Probably damaging, SIFT - Damaging and MutationTaster - Disease causing) predict a damaging effect on protein structure and function for this variant. The reference amino acid at this position on SETD1A gene is predicted as conserved by GERP++ and PhyloP across 100 vertebrates. The amino acid Arg at position 217 is changed to a Cys changing protein sequence and it might alter its composition and physico-chemical properties. For these reasons, this variant has been classified as a Variant of Uncertain Significance (VUS).